The following is an entry in ClinVar:

ClinVar aggregate classification (germline): Pathogenic (1 of 4 stars; one submission).

Conditions:
Kufor-Rakeb syndrome (KRS). Also called: PARKINSON DISEASE 9, AUTOSOMAL RECESSIVE, JUVENILE-ONSET. Identifiers: Orphanet 306674, Orphanet 314632, MedGen C1847640, MONDO:0011706, OMIM 606693.
Autosomal recessive spastic paraplegia type 78. Identifiers: Orphanet 513436, MedGen C5567893, MONDO:0014975, OMIM 617225.

Allele frequency attached by ClinVar (database versions not stated): gnomAD exomes below 0.00001.
gnomAD v4.1: 1 of 1,613,710 alleles (0.000062%); highest among the groups gnomAD compares: Non-Finnish European, 0.000085%; no homozygotes.

Submission:

Labcorp Genetics (formerly Invitae), Labcorp
Classification: Pathogenic for Kufor-Rakeb syndrome; Autosomal recessive spastic paraplegia type 78. Last evaluated: 2024-02-24. Review status: criteria provided, single submitter. Criteria: Invitae Variant Classification Sherloc (09022015). Collection method: clinical testing. Allele origin: germline.
Comment: This sequence change creates a premature translational stop signal (p.Gln207*) in the ATP13A2 gene. It is expected to result in an absent or disrupted protein product. Loss-of-function variants in ATP13A2 are known to be pathogenic (PMID: 16964263, 21696388). This variant is present in population databases (no rsID available, gnomAD 0.0009%). This variant has not been reported in the literature in individuals affected with ATP13A2-related conditions. ClinVar contains an entry for this variant (Variation ID: 1442231). Algorithms developed to predict the effect of sequence changes on RNA splicing suggest that this variant may disrupt the consensus splice site. For these reasons, this variant has been classified as Pathogenic.

Literature cited by the submitters: PubMed 16964263; PubMed 21696388.

NM_022089.4(ATP13A2):c.619C>T (p.Gln207Ter)

Gene: ATP13A2 (ATPase cation transporting 13A2; minus strand). Cytogenetic location: 1p36.13.
Variant type: single nucleotide variant.
Coding change: c.619C>T on transcript NM_022089.4 (MANE Select); coding-DNA position 619, C replaced by T.
Protein change: p.Gln207Ter; replaces glutamine 207 with a stop codon.
Molecular consequence: nonsense.
Genome position (GRCh38, 1-based): chr1:17,002,312, G>A on the plus strand (C>T on the coding strand, the complement: ATP13A2 is on the minus strand). VCF-style: chr1-17002312-G-A. GRCh37 (hg19) VCF-style: chr1-17328807-G-A.
Other names: c.604C>T, p.Gln202Ter (NM_001141973.3, NM_001141974.3); short protein forms Q202*, Q207*.
Identifiers: ClinVar variation 1442231 (VCV001442231.6), dbSNP rs1483668823, ClinGen allele CA338260014.